The following is an entry in ClinVar:

NM_199180.4(KIRREL2):c.1153C>T (p.Arg385Trp)

Gene: KIRREL2 (kirre like nephrin family adhesion molecule 2; plus strand). Cytogenetic location: 19q13.12.
Variant type: single nucleotide variant.
Coding change: c.1153C>T on transcript NM_199180.4 (MANE Select); coding-DNA position 1153, C replaced by T.
Protein change: p.Arg385Trp; replaces arginine 385 with tryptophan.
Molecular consequence: missense variant.
Genome position (GRCh38, 1-based): chr19:35,861,218, C>T. VCF-style: chr19-35861218-C-T. GRCh37 (hg19) VCF-style: chr19-36352120-C-T.
Other names: c.1003C>T, p.Arg335Trp (NM_001329530.2, NM_199179.4); c.1153C>T, p.Arg385Trp (NM_001363667.2, NM_032123.7); short protein forms R335W, R385W.
Identifiers: ClinVar variation 4839383 (VCV004839383.1).

ClinVar aggregate classification (germline): Uncertain significance (1 of 4 stars; one submission).

gnomAD v4.1: 8 of 1,535,796 alleles (0.00052%); highest among the groups gnomAD compares: East Asian, 0.0046%; no homozygotes.

Submission:

Ambry Genetics
Classification: Uncertain significance. Last evaluated: 2026-01-14. Review status: criteria provided, single submitter. Criteria: Ambry Variant Classification Scheme 2023. Collection method: clinical testing. Allele origin: germline.
Comment: The c.1153C>T (p.R385W) alteration is located in exon 9 (coding exon 9) of the KIRREL2 gene. This alteration results from a C to T substitution at nucleotide position 1153, causing the arginine (R) at amino acid position 385 to be replaced by a tryptophan (W). Based on data from gnomAD, the T allele has an overall frequency of 0.002% (4/181122) total alleles studied. The highest observed frequency was 0.01% (2/19290) of South Asian alleles. Based on insufficient or conflicting evidence, the clinical significance of this alteration remains unclear.